The following is an entry in ClinVar:

ClinVar aggregate classification (germline): Uncertain significance (1 of 4 stars; one submission).

Conditions:
Microcephaly-intellectual disability-sensorineural hearing loss-epilepsy-abnormal muscle tone syndrome (NEDHSB). Also called: NEURODEVELOPMENTAL DISORDER WITH HEARING LOSS, SEIZURES, AND BRAIN ABNORMALITIES. Identifiers: Orphanet 457351, MedGen C4225276, MONDO:0014698, OMIM 616577.

Allele frequency attached by ClinVar (database versions not stated): gnomAD exomes 0.00001; TOPMed 0.00001; gnomAD 0.00003.
gnomAD v4.1: 11 of 1,614,244 alleles (0.00068%); highest among the groups gnomAD compares: Non-Finnish European, 0.00093%; no homozygotes.

Submission:

Labcorp Genetics (formerly Invitae), Labcorp
Classification: Uncertain significance for Microcephaly-intellectual disability-sensorineural hearing loss-epilepsy-abnormal muscle tone syndrome. Last evaluated: 2022-05-13. Review status: criteria provided, single submitter. Criteria: Invitae Variant Classification Sherloc (09022015). Collection method: clinical testing. Allele origin: germline.
Comment: This sequence change replaces threonine, which is neutral and polar, with alanine, which is neutral and non-polar, at codon 247 of the SPATA5 protein (p.Thr247Ala). This variant is present in population databases (no rsID available, gnomAD 0.007%). This variant has not been reported in the literature in individuals affected with SPATA5-related conditions. ClinVar contains an entry for this variant (Variation ID: 583014). Advanced modeling of protein sequence and biophysical properties (such as structural, functional, and spatial information, amino acid conservation, physicochemical variation, residue mobility, and thermodynamic stability) performed at Invitae indicates that this missense variant is not expected to disrupt SPATA5 protein function. In summary, the available evidence is currently insufficient to determine the role of this variant in disease. Therefore, it has been classified as a Variant of Uncertain Significance.

NM_145207.3(AFG2A):c.739A>G (p.Thr247Ala)

Gene: AFG2A (AFG2 AAA ATPase homolog A; plus strand). Cytogenetic location: 4q28.1.
Variant type: single nucleotide variant.
Coding change: c.739A>G on transcript NM_145207.3 (MANE Select); coding-DNA position 739, A replaced by G.
Protein change: p.Thr247Ala; replaces threonine 247 with alanine.
Molecular consequence: missense variant.
Genome position (GRCh38, 1-based): chr4:122,934,330, A>G. VCF-style: chr4-122934330-A-G. GRCh37 (hg19) VCF-style: chr4-123855485-A-G.
Other names: c.736A>G, p.Thr246Ala (NM_001317799.2, NM_001345856.2); short protein forms T247A, T246A.
Identifiers: ClinVar variation 583014 (VCV000583014.3), dbSNP rs1295604845, ClinGen allele CA358101938.